The following is an entry in ClinVar:

NM_001377.3(DYNC2H1):c.6044G>A (p.Arg2015Gln)

Gene: DYNC2H1 (dynein cytoplasmic 2 heavy chain 1; plus strand). Cytogenetic location: 11q22.3.
Variant type: single nucleotide variant.
Coding change: c.6044G>A on transcript NM_001377.3 (MANE Select); coding-DNA position 6044, G replaced by A.
Protein change: p.Arg2015Gln; replaces arginine 2015 with glutamine.
Molecular consequence: missense variant.
Genome position (GRCh38, 1-based): chr11:103,177,725, G>A. VCF-style: chr11-103177725-G-A. GRCh37 (hg19) VCF-style: chr11-103048454-G-A.
Other names: c.6044G>A, p.Arg2015Gln (NM_001080463.2); short protein forms R2015Q.
Identifiers: ClinVar variation 5038016 (VCV005038016.2).

ClinVar aggregate classification (germline): Uncertain significance (1 of 4 stars; one submission).

Conditions:
Asphyxiating thoracic dystrophy 3. Also called: POLYDACTYLY WITH NEONATAL CHONDRODYSTROPHY, TYPE I; SHORT-RIB THORACIC DYSPLASIA 3/6 WITH POLYDACTYLY, DIGENIC; SHORT-RIB THORACIC DYSPLASIA 3 WITH OR WITHOUT POLYDACTYLY; Saldino-Noonan Syndrome; Short rib polydactyly syndrome 2B. Identifiers: Orphanet 474, Orphanet 93269, Orphanet 93270, Orphanet 93271, MedGen C0036069, MONDO:0013127, OMIM 613091.

gnomAD v4.1: 31 of 1,613,358 alleles (0.0019%); highest among the groups gnomAD compares: East Asian, 0.025%; no homozygotes.

Submission:

Juno Genomics, Hangzhou Juno Genomics, Inc
Classification: Uncertain significance for Asphyxiating thoracic dystrophy 3. Review status: criteria provided, single submitter. Criteria: ACMG Guidelines, 2015. Collection method: clinical testing. Allele origin: germline.
Comment: Absent from controls (or at extremely low frequency if recessive) in Genome Aggregation Database.;Multiple lines of computational evidence support a deleterious effect on the gene or gene product.